The following is an entry in ClinVar:

NM_007373.4(SHOC2):c.113G>A (p.Ser38Asn)

Gene: SHOC2 (SHOC2 leucine rich repeat scaffold protein; plus strand). Cytogenetic location: 10q25.2.
Variant type: single nucleotide variant.
Coding change: c.113G>A on transcript NM_007373.4 (MANE Select); coding-DNA position 113, G replaced by A.
Protein change: p.Ser38Asn; replaces serine 38 with asparagine.
Molecular consequence: missense variant.
Genome position (GRCh38, 1-based): chr10:110,964,471, G>A. VCF-style: chr10-110964471-G-A. GRCh37 (hg19) VCF-style: chr10-112724229-G-A.
Other names: c.113G>A, p.Ser38Asn (NM_001269039.3, NM_001324336.2, NM_001324337.2); short protein forms S38N.
Identifiers: ClinVar variation 2188141 (VCV002188141.4), dbSNP rs781434461, ClinGen allele CA5689557.
Genomic context (GRCh38, chr10:110,964,471, plus strand): 5'-TACCATCAGCCAAGGAAAGAGAAAAGGAGGCAAAAGCCTCTGGAGGTTTTGGGAAAGAGA[G>A]CAAAGAAAAAGAACCTAAGACCAAAGGGAAAGATGCCAAAGATGGAAAGAAGGACTCCAG-3'
Protein context (NP_031399.2, residues 28-48): AKASGGFGKE[Ser38Asn]KEKEPKTKGK

ClinVar aggregate classification (germline): Uncertain significance (1 of 4 stars; one submission).

Conditions:
RASopathy. Also called: rasopathies; Noonan spectrum disorder. Identifiers: Orphanet 536391, MedGen C5555857, MONDO:0021060.

Allele frequency attached by ClinVar (database versions not stated): gnomAD exomes below 0.00001; ExAC 0.00001.
gnomAD v4.1: 1 of 1,613,914 alleles (0.000062%); highest among the groups gnomAD compares: Non-Finnish European, 0.000085%; no homozygotes.

Submission:

Labcorp Genetics (formerly Invitae), Labcorp
Classification: Uncertain significance for RASopathy. Last evaluated: 2022-02-22. Review status: criteria provided, single submitter. Criteria: Invitae Variant Classification Sherloc (09022015). Collection method: clinical testing. Allele origin: germline.
Comment: This variant has not been reported in the literature in individuals affected with SHOC2-related conditions. In summary, the available evidence is currently insufficient to determine the role of this variant in disease. Therefore, it has been classified as a Variant of Uncertain Significance. Algorithms developed to predict the effect of missense changes on protein structure and function (SIFT, PolyPhen-2, Align-GVGD) all suggest that this variant is likely to be tolerated. This variant is present in population databases (rs781434461, gnomAD 0.0009%). This sequence change replaces serine, which is neutral and polar, with asparagine, which is neutral and polar, at codon 38 of the SHOC2 protein (p.Ser38Asn).